The following is an entry in ClinVar:

ClinVar aggregate classification (germline): Uncertain significance (1 of 4 stars; one submission).

gnomAD v4.1: 2 of 1,613,522 alleles (0.00012%); highest among the groups gnomAD compares: Admixed American, 0.0033%; no homozygotes.

Submission:

Labcorp Genetics (formerly Invitae), Labcorp
Classification: Uncertain significance. Last evaluated: 2024-10-11. Review status: criteria provided, single submitter. Criteria: Invitae Variant Classification Sherloc (09022015). Collection method: clinical testing. Allele origin: germline.
Comment: This sequence change replaces glycine, which is neutral and non-polar, with arginine, which is basic and polar, at codon 618 of the ANLN protein (p.Gly618Arg). This variant is present in population databases (no rsID available, gnomAD 0.006%). This variant has not been reported in the literature in individuals affected with ANLN-related conditions. Invitae Evidence Modeling of protein sequence and biophysical properties (such as structural, functional, and spatial information, amino acid conservation, physicochemical variation, residue mobility, and thermodynamic stability) indicates that this missense variant is not expected to disrupt ANLN protein function with a negative predictive value of 80%. In summary, the available evidence is currently insufficient to determine the role of this variant in disease. Therefore, it has been classified as a Variant of Uncertain Significance.

NM_018685.5(ANLN):c.1852G>C (p.Gly618Arg)

Gene: ANLN (anillin, actin binding protein; plus strand). Cytogenetic location: 7p14.2.
Variant type: single nucleotide variant.
Coding change: c.1852G>C on transcript NM_018685.5 (MANE Select); coding-DNA position 1852, G replaced by C.
Protein change: p.Gly618Arg; replaces glycine 618 with arginine.
Molecular consequence: missense variant.
Genome position (GRCh38, 1-based): chr7:36,419,462, G>C. VCF-style: chr7-36419462-G-C. GRCh37 (hg19) VCF-style: chr7-36459071-G-C.
Other names: c.1741G>C, p.Gly581Arg (NM_001284301.3); c.1738G>C, p.Gly580Arg (NM_001284302.3); short protein forms G580R, G581R, G618R.
Identifiers: ClinVar variation 3615806 (VCV003615806.2).